The following is an entry in ClinVar:

ClinVar aggregate classification (germline): Uncertain significance (1 of 4 stars; one submission).

Conditions:
Cone-rod dystrophy 13 (CORD13). Identifiers: Orphanet 1872, MedGen C2750720, MONDO:0011987, OMIM 608194.
Leber congenital amaurosis 6 (LCA6). Identifiers: Orphanet 65, MedGen C1854260, MONDO:0013446, OMIM 613826.

Submission:

Labcorp Genetics (formerly Invitae), Labcorp
Classification: Uncertain significance for Leber congenital amaurosis 6; Cone-rod dystrophy 13. Last evaluated: 2022-07-11. Review status: criteria provided, single submitter. Criteria: Invitae Variant Classification Sherloc (09022015). Collection method: clinical testing. Allele origin: germline.
Comment: In summary, the available evidence is currently insufficient to determine the role of this variant in disease. Therefore, it has been classified as a Variant of Uncertain Significance. Algorithms developed to predict the effect of missense changes on protein structure and function (SIFT, PolyPhen-2, Align-GVGD) all suggest that this variant is likely to be tolerated. ClinVar contains an entry for this variant (Variation ID: 956846). This variant has not been reported in the literature in individuals affected with RPGRIP1-related conditions. This variant is not present in population databases (gnomAD no frequency). This sequence change replaces threonine, which is neutral and polar, with serine, which is neutral and polar, at codon 777 of the RPGRIP1 protein (p.Thr777Ser).

NM_020366.4(RPGRIP1):c.2330C>G (p.Thr777Ser)

Gene: RPGRIP1 (RPGR interacting protein 1; plus strand). Cytogenetic location: 14q11.2.
Variant type: single nucleotide variant.
Coding change: c.2330C>G on transcript NM_020366.4 (MANE Select); coding-DNA position 2330, C replaced by G.
Protein change: p.Thr777Ser; replaces threonine 777 with serine.
Molecular consequence: missense variant. On other transcripts: intron variant (4).
Genome position (GRCh38, 1-based): chr14:21,325,346, C>G. VCF-style: chr14-21325346-C-G. GRCh37 (hg19) VCF-style: chr14-21793505-C-G.
Other names: c.1256C>G, p.Thr419Ser (NM_001377948.1); c.796+621C>G (NM_001377949.1); c.689-2277C>G (NM_001377523.1, NM_001377950.1); c.191-2277C>G (NM_001377951.1); short protein forms T419S, T777S.
Identifiers: ClinVar variation 956846 (VCV000956846.9), dbSNP rs1483742101, ClinGen allele CA388868629.